The following is an entry in ClinVar:

NM_020937.4(FANCM):c.4225G>A (p.Gly1409Arg)

Gene: FANCM (FA complementation group M; plus strand). Cytogenetic location: 14q21.2.
Variant type: single nucleotide variant.
Coding change: c.4225G>A on transcript NM_020937.4 (MANE Select); coding-DNA position 4225, G replaced by A.
Protein change: p.Gly1409Arg; replaces glycine 1409 with arginine.
Molecular consequence: missense variant.
Genome position (GRCh38, 1-based): chr14:45,181,432, G>A. VCF-style: chr14-45181432-G-A. GRCh37 (hg19) VCF-style: chr14-45650635-G-A.
Other names: c.4147G>A, p.Gly1383Arg (NM_001308133.2); short protein forms G1409R, G1383R.
Identifiers: ClinVar variation 2911076 (VCV002911076.1), dbSNP rs769019952, ClinGen allele CA7169664.
Genomic context (GRCh38, chr14:45,181,432, plus strand): 5'-TATGATTGGGTAAACCTAAATCTATTAACCATTCATTATTTTAAAAAATAAATTATAGAT[G>A]GACAATTATTAACAAGTAACGAAAGTGAAGATGACGAGATTTTCCGAAGAAAAGTTAAAA-3'
Protein context (NP_065988.1, residues 1399-1419): LHKSCHSVED[Gly1409Arg]QLLTSNESED

ClinVar aggregate classification (germline): Uncertain significance (1 of 4 stars; one submission).

Conditions:
Fanconi anemia (FA). Also called: Fanconi's anemia. Identifiers: Orphanet 84, MedGen C0015625, MeSH D005199, MONDO:0019391.

Allele frequency attached by ClinVar (database versions not stated): gnomAD exomes below 0.00001; ExAC 0.00001.
gnomAD v4.1: 1 of 1,531,880 alleles (0.000065%); highest among the groups gnomAD compares: Admixed American, 0.0017%; no homozygotes.

Submission:

Labcorp Genetics (formerly Invitae), Labcorp
Classification: Uncertain significance for Fanconi anemia. Last evaluated: 2022-11-25. Review status: criteria provided, single submitter. Criteria: Invitae Variant Classification Sherloc (09022015). Collection method: clinical testing. Allele origin: germline.
Comment: In summary, the available evidence is currently insufficient to determine the role of this variant in disease. Therefore, it has been classified as a Variant of Uncertain Significance. Algorithms developed to predict the effect of missense changes on protein structure and function (SIFT, PolyPhen-2, Align-GVGD) all suggest that this variant is likely to be tolerated. This variant has not been reported in the literature in individuals affected with FANCM-related conditions. This variant is present in population databases (rs769019952, gnomAD 0.0009%). This sequence change replaces glycine, which is neutral and non-polar, with arginine, which is basic and polar, at codon 1409 of the FANCM protein (p.Gly1409Arg).